The following is an entry in ClinVar:

ClinVar aggregate classification (germline): Likely pathogenic (1 of 4 stars; one submission).

Conditions:
Intellectual developmental disorder, X-linked 19. Also called: Intellectual disability, X-linked 19. Identifiers: Orphanet 777, MedGen C0796225, MONDO:0010447, OMIM 300844.
Coffin-Lowry syndrome (CLS). Also called: Mental retardation with osteocartilaginous abnormalities; COFFIN-LOWRY SYNDROME, MILD. Identifiers: Orphanet 192, MedGen C0265252, MONDO:0010561, OMIM 303600.

Submission:

Labcorp Genetics (formerly Invitae), Labcorp
Classification: Likely pathogenic for Coffin-Lowry syndrome; Intellectual developmental disorder, X-linked 19. Last evaluated: 2025-06-06. Review status: criteria provided, single submitter. Criteria: Invitae Variant Classification Sherloc (09022015). Collection method: clinical testing. Allele origin: germline.
Comment: This variant results in the deletion of part of exon 18 (c.1622_1764+604delinsGAGTCA) of the RPS6KA3 gene. It is expected to disrupt RNA splicing. Variants that disrupt the donor or acceptor splice site typically lead to a loss of protein function (PMID: 16199547), and loss-of-function variants in RPS6KA3 are known to be pathogenic (PMID: 9837815, 19888300). This variant is not present in population databases (gnomAD no frequency). This variant has not been reported in the literature in individuals affected with RPS6KA3-related conditions. In summary, the currently available evidence indicates that the variant is pathogenic, but additional data are needed to prove that conclusively. Therefore, this variant has been classified as Likely Pathogenic.

Literature cited by the submitters: PubMed 16199547; PubMed 9837815; PubMed 19888300.

NM_004586.3(RPS6KA3):c.1622_1764+604delinsGAGTCA

Gene: RPS6KA3 (ribosomal protein S6 kinase A3; minus strand). Cytogenetic location: Xp22.12.
Variant type: Indel.
Coding change: c.1622_1764+604delinsGAGTCA on transcript NM_004586.3 (MANE Select); coding-DNA position 1622 through 604 bases into the intron after coding-DNA position 1764, the reference bases replaced by GAGTCA.
Molecular consequence: splice donor variant.
Genome position (GRCh38, 1-based): chrX:20,164,295-20,165,041, 747 bases replaced. GRCh37 (hg19): chrX:20,182,413-20,183,159.
Other names: c.1538_1680+604delinsGAGTCA (NM_001438340.1).
Identifiers: ClinVar variation 4785207 (VCV004785207.1).